The following is an entry in ClinVar:

ClinVar aggregate classification (germline): Likely pathogenic (1 of 4 stars; one submission).

Conditions:
Severe intellectual disability-poor language-strabismus-grimacing face-long fingers syndrome (GAND). Also called: GAND SYNDROME. Identifiers: Orphanet 363686, MedGen C3554448, MONDO:0014034, OMIM 615074.

Submission:

Juno Genomics, Hangzhou Juno Genomics, Inc
Classification: Likely pathogenic for Severe intellectual disability-poor language-strabismus-grimacing face-long fingers syndrome. Review status: criteria provided, single submitter. Criteria: ACMG Guidelines, 2015. Collection method: clinical testing. Allele origin: germline. Affected: yes.
Comment: Null variant in a gene where loss of function (LOF) is a known mechanism of disease.;Absent from controls (or at extremely low frequency if recessive) in Genome Aggregation Database, Exome Sequencing Project, 1000 Genomes Project, or Exome Aggregation Consortium.

NM_020699.4(GATAD2B):c.1200dup (p.Val401fs)

Gene: GATAD2B (GATA zinc finger domain containing 2B; minus strand). Cytogenetic location: 1q21.3.
Variant type: Duplication.
Coding change: c.1200dup on transcript NM_020699.4 (MANE Select); coding-DNA position 1200, one base duplicated (T; older notation c.1200dupT).
Protein change: p.Val401fs; shifts the reading frame from valine 401.
Molecular consequence: frameshift variant.
Genome position (GRCh38, 1-based): chr1:153,816,289, A duplicated on the plus strand (T on the coding strand, the reverse complement: GATAD2B is on the minus strand). VCF-style (leftmost placement, unchanged base first): chr1-153816288-C-CA. GRCh37 (hg19) VCF-style: chr1-153788764-C-CA.
Other names: short protein forms V401fs.
Identifiers: ClinVar variation 3383123 (VCV003383123.2).